The following is an entry in ClinVar:

NC_000003.11:g.(?_158407942)_(158409266_?)del

Gene: GFM1 (G elongation factor mitochondrial 1; plus strand). Cytogenetic location: 3q25.32.
Variant type: Deletion.
Identifiers: ClinVar variation 2426905 (VCV002426905.3).

ClinVar aggregate classification (germline): Pathogenic (1 of 4 stars; one submission).

Submission:

Labcorp Genetics (formerly Invitae), Labcorp
Classification: Pathogenic. Last evaluated: 2022-06-30. Review status: criteria provided, single submitter. Criteria: Invitae Variant Classification Sherloc (09022015). Collection method: clinical testing. Allele origin: germline.
Comment: This variant is a gross deletion of the genomic region encompassing exon(s) 16-18 of the GFM1 gene, which includes the termination codon. This deletion extends beyond the assayed region for this gene and therefore may encompass additional genes. While this deletion is not anticipated to lead to nonsense mediated decay, it is expected to alter mRNA translation or result in a truncated protein product. This variant has not been reported in the literature in individuals affected with GFM1-related conditions. This variant disrupts a region of the GFM1 protein in which other variant(s) (p.Arg671Cys) have been determined to be pathogenic (PMID: 21986555, 22277967, 25852744, 31680380). This suggests that this is a clinically significant region of the protein, and that variants that disrupt it are likely to be disease-causing. For these reasons, this variant has been classified as Pathogenic.

Literature cited by the submitters: PubMed 21986555; PubMed 22277967; PubMed 25852744; PubMed 31680380.